The following is an entry in ClinVar:

NM_003482.4(KMT2D):c.7666C>T (p.Leu2556Phe)

Gene: KMT2D (lysine methyltransferase 2D; minus strand). Cytogenetic location: 12q13.12.
Variant type: single nucleotide variant.
Coding change: c.7666C>T on transcript NM_003482.4 (MANE Select); coding-DNA position 7666, C replaced by T.
Protein change: p.Leu2556Phe; replaces leucine 2556 with phenylalanine.
Molecular consequence: missense variant.
Genome position (GRCh38, 1-based): chr12:49,040,104, G>A on the plus strand (C>T on the coding strand, the complement: KMT2D is on the minus strand). VCF-style: chr12-49040104-G-A. GRCh37 (hg19) VCF-style: chr12-49433887-G-A.
Other names: short protein forms L2556F.
Identifiers: ClinVar variation 3371290 (VCV003371290.1).

ClinVar aggregate classification (germline): Uncertain significance (1 of 4 stars; one submission).

Submission:

GeneDx
Classification: Uncertain significance. Last evaluated: 2024-03-20. Review status: criteria provided, single submitter. Criteria: GeneDx Variant Classification Process June 2021. Collection method: clinical testing. Allele origin: germline. Affected: yes.
Comment: Not observed at significant frequency in large population cohorts (gnomAD); In silico analysis supports that this missense variant does not alter protein structure/function; Has not been previously published as pathogenic or benign to our knowledge